The following is an entry in ClinVar:

ClinVar aggregate classification (germline): Uncertain significance (1 of 4 stars; one submission).

Submission:

CeGaT Center for Human Genetics Tuebingen
Classification: Uncertain significance. Last evaluated: 2024-08-01. Review status: criteria provided, single submitter. Criteria: CeGaT Center For Human Genetics Tuebingen Variant Classification Criteria Version 2. Collection method: clinical testing. Allele origin: germline. Affected: yes. Observed: 1 variant allele.
Comment: POU4F3: PM2

NM_002700.3(POU4F3):c.206G>T (p.Gly69Val)

Genes: POU4F3 (POU class 4 homeobox 3; plus strand), RBM27-POU4F3 (RBM27-POU4F3 readthrough; plus strand). Cytogenetic location: 5q32.
Variant type: single nucleotide variant.
Coding change: c.206G>T on transcript NM_002700.3 (MANE Select); coding-DNA position 206, G replaced by T.
Protein change: p.Gly69Val; replaces glycine 69 with valine.
Molecular consequence: missense variant. On other transcripts: 3 prime UTR variant (1).
Genome position (GRCh38, 1-based): chr5:146,339,633, G>T. VCF-style: chr5-146339633-G-T. GRCh37 (hg19) VCF-style: chr5-145719196-G-T.
Other names: c.*75G>T (NM_001414499.1); short protein forms G69V.
Identifiers: ClinVar variation 3342113 (VCV003342113.16).
Genomic context (GRCh38, chr5:146,339,633, plus strand): 5'-TTGATGAGAGCCTGCTGGCACGCGCCGAAGCTCTGGCGGCGGTGGATATCGTCTCCCACG[G>T]CAAGAACCATCCGTTCAAGCCCGACGCCACCTACCATACCATGAGCAGCGTGCCCTGCAC-3'
Protein context (NP_002691.1, residues 59-79): ALAAVDIVSH[Gly69Val]KNHPFKPDAT